The following is an entry in ClinVar:

ClinVar aggregate classification (germline): Likely benign. Review status: criteria provided, multiple submitters, no conflicts (2 of 4 stars). 8 submissions from 7 submitters: Likely benign (8). Last evaluated 2026-01-01.

Conditions:
Adams-Oliver syndrome 5 (AOS5). Identifiers: Orphanet 974, MedGen C4014970, MONDO:0014459, OMIM 616028.
Aortic valve disease 1 (AOVD1). Identifiers: MedGen C3887892, MONDO:0024523, OMIM 109730.
Familial thoracic aortic aneurysm and aortic dissection (TAAD). Also called: Thoracic aortic aneurysms and dissections. Identifiers: Orphanet 91387, MedGen C4707243, MONDO:0019625.

Allele frequency attached by ClinVar (database versions not stated): TOPMed 0.00001; gnomAD 0.00002 and 0.00004; ExAC 0.00005; gnomAD exomes 0.00005; 1000 Genomes Project 30x 0.00016; 1000 Genomes Project 0.00020.

Submissions (8):

Labcorp Genetics (formerly Invitae), Labcorp
Classification: Likely benign for Adams-Oliver syndrome 5. Last evaluated: 2026-01-01. Review status: criteria provided, single submitter. Criteria: Invitae Variant Classification Sherloc (09022015). Collection method: clinical testing. Allele origin: germline.

Mayo Clinic Laboratories, Mayo Clinic
Classification: Likely benign. Last evaluated: 2025-02-17. Review status: criteria provided, single submitter. Criteria: ACMG Guidelines, 2015. Collection method: clinical testing. Allele origin: germline. Observed: 1 variant allele.
Comment: BP4, BP7

Blueprint Genetics
Classification: Likely benign. Last evaluated: 2024-09-13. Review status: criteria provided, single submitter. Criteria: ACMG Guidelines, 2015. Collection method: clinical testing. Allele origin: germline.

Genome-Nilou Lab
Classification: Likely benign for Adams-Oliver syndrome 5. Last evaluated: 2022-03-15. Review status: criteria provided, single submitter. Criteria: ACMG Guidelines, 2015. Collection method: clinical testing. Allele origin: germline. Affected: no.

Genome-Nilou Lab
Classification: Likely benign for Aortic valve disease 1. Last evaluated: 2022-03-15. Review status: criteria provided, single submitter. Criteria: ACMG Guidelines, 2015. Collection method: clinical testing. Allele origin: germline. Affected: no.

CHEO Genetics Diagnostic Laboratory, Children's Hospital of Eastern Ontario
Classification: Likely benign for Familial thoracic aortic aneurysm and aortic dissection. Last evaluated: 2021-06-16. Review status: criteria provided, single submitter. Criteria: ACMG Guidelines, 2015. Collection method: clinical testing. Allele origin: germline.

Ambry Genetics
Classification: Likely benign for Familial thoracic aortic aneurysm and aortic dissection. Last evaluated: 2018-12-14. Review status: criteria provided, single submitter. Criteria: Ambry Variant Classification Scheme 2023. Collection method: clinical testing. Allele origin: germline.

GeneDx
Classification: Likely benign. Last evaluated: 2018-08-31. Review status: criteria provided, single submitter. Criteria: GeneDx Variant Classification Process June 2021. Collection method: clinical testing. Allele origin: germline. Affected: yes.

NM_017617.5(NOTCH1):c.6321C>T (p.His2107=)

Gene: NOTCH1 (notch receptor 1; minus strand). Cytogenetic location: 9q34.3.
Variant type: single nucleotide variant.
Coding change: c.6321C>T on transcript NM_017617.5 (MANE Select); coding-DNA position 6321, C replaced by T.
Protein change: p.His2107=; no amino-acid change (histidine 2107 retained).
Molecular consequence: synonymous variant.
Genome position (GRCh38, 1-based): chr9:136,497,418, G>A on the plus strand (C>T on the coding strand, the complement: NOTCH1 is on the minus strand). VCF-style: chr9-136497418-G-A. GRCh37 (hg19) VCF-style: chr9-139391870-G-A.
Other names: p.His2107=; c.6321C>T, p.His2107= (LRG_1122t1).
Identifiers: ClinVar variation 544199 (VCV000544199.19), dbSNP rs532201830, ClinGen allele CA5339935.